The following is an entry in ClinVar:

ClinVar aggregate classification (germline): Uncertain significance. Review status: criteria provided, multiple submitters, no conflicts (2 of 4 stars). 2 submissions from 2 submitters: Uncertain significance (2). Last evaluated 2025-03-27.

Conditions:
Inborn genetic diseases. Identifiers: MedGen C0950123, MeSH D030342.
Achondrogenesis, type IA (ACG1A). Identifiers: Orphanet 932, Orphanet 93299, MedGen C0265273, MONDO:0008701, OMIM 200600.

Allele frequency attached by ClinVar (database versions not stated): ExAC 0.00001; TOPMed 0.00002; gnomAD exomes 0.00003; gnomAD 0.00005.
gnomAD v4.1: 45 of 1,614,006 alleles (0.0028%); highest among the groups gnomAD compares: Non-Finnish European, 0.0038%; no homozygotes.

Submissions (2):

Ambry Genetics
Classification: Uncertain significance for Inborn genetic diseases. Last evaluated: 2025-03-27. Review status: criteria provided, single submitter. Criteria: Ambry Variant Classification Scheme 2023. Collection method: clinical testing. Allele origin: germline.

Labcorp Genetics (formerly Invitae), Labcorp
Classification: Uncertain significance for Achondrogenesis, type IA. Last evaluated: 2022-11-08. Review status: criteria provided, single submitter. Criteria: Invitae Variant Classification Sherloc (09022015). Collection method: clinical testing. Allele origin: germline.
Comment: In summary, the available evidence is currently insufficient to determine the role of this variant in disease. Therefore, it has been classified as a Variant of Uncertain Significance. Advanced modeling of protein sequence and biophysical properties (such as structural, functional, and spatial information, amino acid conservation, physicochemical variation, residue mobility, and thermodynamic stability) has been performed at Invitae for this missense variant, however the output from this modeling did not meet the statistical confidence thresholds required to predict the impact of this variant on TRIP11 protein function. This variant has not been reported in the literature in individuals affected with TRIP11-related conditions. This variant is present in population databases (rs776794960, gnomAD 0.005%). This sequence change replaces glutamic acid, which is acidic and polar, with lysine, which is basic and polar, at codon 1275 of the TRIP11 protein (p.Glu1275Lys).

NM_004239.4(TRIP11):c.3823G>A (p.Glu1275Lys)

Gene: TRIP11 (thyroid hormone receptor interactor 11; minus strand). Cytogenetic location: 14q32.12.
Variant type: single nucleotide variant.
Coding change: c.3823G>A on transcript NM_004239.4 (MANE Select); coding-DNA position 3823, G replaced by A.
Protein change: p.Glu1275Lys; replaces glutamic acid 1275 with lysine.
Molecular consequence: missense variant.
Genome position (GRCh38, 1-based): chr14:92,004,153, C>T on the plus strand (G>A on the coding strand, the complement: TRIP11 is on the minus strand). VCF-style: chr14-92004153-C-T. GRCh37 (hg19) VCF-style: chr14-92470497-C-T.
Other names: c.3820G>A, p.Glu1274Lys (NM_001321851.1); c.3823G>A (NM_004239.3); short protein forms E1275K, E1274K.
Identifiers: ClinVar variation 2138820 (VCV002138820.3), dbSNP rs776794960, ClinGen allele CA7313576.